The following is an entry in ClinVar:

ClinVar aggregate classification (germline): Uncertain significance. Review status: criteria provided, multiple submitters, no conflicts (2 of 4 stars). 3 submissions from 3 submitters: Uncertain significance (3). Last evaluated 2026-07-06.

Conditions:
Inborn genetic diseases. Identifiers: MedGen C0950123, MeSH D030342.
RYR1-related disorder. Also called: RYR1-related condition; RYR1-related disorders. Identifiers: MedGen CN239331.
Malignant hyperthermia, susceptibility to, 1 (MHS1). Also called: RYR1-Related Malignant Hyperthermia Susceptibility; Anesthesia related hyperthermia; Malignant hyperpyrexia; Fulminating hyperpyrexia; Pharmacogenic myopathy; Malignant hyperthermia suceptibility 1. Identifiers: Orphanet 423, MedGen C2930980, MONDO:0007783, OMIM 145600.

Allele frequency attached by ClinVar (database versions not stated): ExAC 0.00001; gnomAD 0.00001.
gnomAD v4.1: 2 of 1,598,156 alleles (0.00013%); highest among the groups gnomAD compares: African/African-American, 0.0013%; no homozygotes.

Submissions (3):

Ambry Genetics
Classification: Uncertain significance for Inborn genetic diseases. Last evaluated: 2026-07-06. Review status: criteria provided, single submitter. Criteria: Ambry Variant Classification Scheme 2023. Collection method: clinical testing. Allele origin: germline.
Comment: The p.N2349Y variant (also known as c.7045A>T), located in coding exon 44 of the RYR1 gene, results from an A to T substitution at nucleotide position 7045. The asparagine at codon 2349 is replaced by tyrosine, an amino acid with dissimilar properties. This amino acid position is conserved. In addition, this alteration is predicted to be deleterious by in silico analysis. Based on the available evidence, the clinical significance of this variant remains unclear.

Color Diagnostics, LLC DBA Color Health
Classification: Uncertain significance for Malignant hyperthermia, susceptibility to, 1. Last evaluated: 2025-06-23. Review status: criteria provided, single submitter. Criteria: ACMG Guidelines, 2015. Collection method: clinical testing. Allele origin: germline.
Comment: This missense variant replaces asparagine with tyrosine at codon 2349 of the RYR1 protein. Computational prediction suggests that this variant may have deleterious impact on protein structure and function. To our knowledge, functional studies have not been reported for this variant. This variant has not been reported in individuals affected with RYR1-related disorders in the literature. This variant has not been identified in the general population by the Genome Aggregation Database (gnomAD). The available evidence is insufficient to determine the role of this variant in disease conclusively. Therefore, this variant is classified as a Variant of Uncertain Significance.

Labcorp Genetics (formerly Invitae), Labcorp
Classification: Uncertain significance for RYR1-related disorder. Last evaluated: 2021-08-18. Review status: criteria provided, single submitter. Criteria: Invitae Variant Classification Sherloc (09022015). Collection method: clinical testing. Allele origin: germline.
Comment: In summary, the available evidence is currently insufficient to determine the role of this variant in disease. Therefore, it has been classified as a Variant of Uncertain Significance. Algorithms developed to predict the effect of sequence changes on RNA splicing suggest that this variant may create or strengthen a splice site. Advanced modeling of protein sequence and biophysical properties (such as structural, functional, and spatial information, amino acid conservation, physicochemical variation, residue mobility, and thermodynamic stability) performed at Invitae indicates that this missense variant is expected to disrupt RYR1 protein function. This sequence change replaces asparagine with tyrosine at codon 2349 of the RYR1 protein (p.Asn2349Tyr). The asparagine residue is highly conserved and there is a large physicochemical difference between asparagine and tyrosine. This variant is present in population databases (rs780437705, ExAC 0.01%). This missense change has been observed in individual(s) with RYR1-related conditions (Invitae).

NM_000540.3(RYR1):c.7045A>T (p.Asn2349Tyr)

Gene: RYR1 (ryanodine receptor 1; plus strand). Cytogenetic location: 19q13.2.
Variant type: single nucleotide variant.
Coding change: c.7045A>T on transcript NM_000540.3 (MANE Select); coding-DNA position 7045, A replaced by T.
Protein change: p.Asn2349Tyr; replaces asparagine 2349 with tyrosine.
Molecular consequence: missense variant.
Genome position (GRCh38, 1-based): chr19:38,499,652, A>T. VCF-style: chr19-38499652-A-T. GRCh37 (hg19) VCF-style: chr19-38990292-A-T.
Other names: c.7045A>T, p.Asn2349Tyr (NM_001042723.2); c.7045A>T (NM_000540.2); short protein forms N2349Y.
Identifiers: ClinVar variation 1360064 (VCV001360064.7), dbSNP rs780437705, ClinGen allele CA069069.